The following is an entry in ClinVar:

ClinVar aggregate classification (germline): Pathogenic/Likely pathogenic. Review status: criteria provided, multiple submitters, no conflicts (2 of 4 stars). 4 submissions from 4 submitters: Pathogenic (1); Likely pathogenic (2). 1 of the submissions does not count toward it. Last evaluated 2026-06-10.

Conditions:
Lynch syndrome 5 (LYNCH5). Also called: Colorectal cancer, hereditary nonpolyposis, type 5; Hereditary non-polyposis colorectal cancer, type 5. Identifiers: Orphanet 144, MedGen C1833477, MONDO:0013710, OMIM 614350. Disease mechanism: loss of function.
Hereditary nonpolyposis colorectal neoplasms. Identifiers: MedGen C0009405, MeSH D003123.
Hereditary cancer-predisposing syndrome. Also called: Hereditary neoplastic syndrome; Neoplastic Syndromes, Hereditary; Hereditary Cancer Syndrome; Tumor predisposition. Identifiers: Orphanet 140162, MedGen C0027672, MeSH D009386, MONDO:0015356.

Submissions (4):

Myriad Genetics, Inc.
Classification: Likely pathogenic for Lynch syndrome 5. Last evaluated: 2026-06-10. Review status: criteria provided, single submitter. Criteria: Myriad Autosomal Dominant, Autosomal Recessive and X-Linked Classification Criteria (2023). Collection method: clinical testing. Allele origin: unknown.
Comment: This variant is considered likely pathogenic. This variant is located within the gene translation start codon (p.Met1?) and is predicted to result in abnormal protein translation.

Quest Diagnostics Nichols Institute San Juan Capistrano
Classification: Likely pathogenic. Last evaluated: 2024-11-12. Review status: criteria provided, single submitter. Criteria: Quest Diagnostics criteria. Collection method: clinical testing. Allele origin: unknown.
Comment: The MSH6 c.3del variant disrupts the translation initiation codon of the MSH6 mRNA and is predicted to interfere with MSH6 protein synthesis. This variant has not been reported in individuals with MSH6-related conditions in the published literature. This variant and other variants that alter the initiation codon of this gene has been reported in individuals with clinical features of Lynch syndrome (Ambry Genetics, personal communication regarding ClinVar ID: 455314). This variant has not been reported in large, multi-ethnic general populations (Genome Aggregation Database). Based on the available information, this variant is classified as likely pathogenic.

Ambry Genetics
Classification: Pathogenic for Hereditary cancer-predisposing syndrome. Last evaluated: 2024-08-15. Review status: criteria provided, single submitter. Criteria: Ambry Variant Classification Scheme 2023. Collection method: clinical testing. Allele origin: germline.
Comment: The c.3delG pathogenic mutation, located in coding exon 1 of the MSH6 gene, results from a deletion of one nucleotide at nucleotide position 3. This alters the methionine residue at the initiation codon (p.M1?). While this specific alteration has not been reported in the literature to date, several other missense pathogenic mutations (c.1A>G, c.3G>C, c.3G>T) that alter the methionine residue at the initiation codon in MSH6 (p.M1?) have been identified in individuals whose Lynch-associated tumors displayed absent MSH6 staining on immunohistochemistry (IHC) (Ambry internal data). Since sequence variations that modify the initiation codon (ATG) are expected to result in either loss of translation initiation, N-terminal truncation, or cause a shift in the mRNA reading frame, this alteration is interpreted as a disease-causing mutation.

Labcorp Genetics (formerly Invitae), Labcorp
Classification: Uncertain significance for Hereditary nonpolyposis colorectal neoplasms. Last evaluated: 2017-05-28. Review status: flagged submission. Criteria: Invitae Variant Classification Sherloc (09022015). Collection method: clinical testing. Allele origin: germline. Not counted in ClinVar's aggregate classification.
Comment: This variant has not been reported in the literature in individuals with a MSH6-related disease. In summary, this variant has uncertain impact on MSH6 function. The available evidence is currently insufficient to determine its role in disease. Therefore, it has been classified as a Variant of Uncertain Significance. This sequence change deletes 1 nucleotide from exon 1 of the MSH6 mRNA (c.3delG), affecting the initiator methionine. While this variant may disrupt protein translation of the MSH6 mRNA, an alternate in-frame methionine downstream of the original initiator codon located at codon 100 could potentially rescue translation initiation. However, experimental studies have not been performed to determine if an alternative initiator codon is utilized. This variant is not present in population databases (ExAC no frequency).
ClinVar note: Reason: Older claim that does not account for recent evidence

NM_000179.3(MSH6):c.3del (p.Met1fs)

Gene: MSH6 (mutS homolog 6; plus strand). Cytogenetic location: 2p16.3.
Variant type: Deletion.
Coding change: c.3del on transcript NM_000179.3 (MANE Select); coding-DNA position 3, one base deleted (G; older notation c.3delG).
Protein change: p.Met1fs; shifts the reading frame from methionine 1.
Molecular consequence: frameshift variant, initiator codon variant. On other transcripts: 5 prime UTR variant (1).
Genome position (GRCh38, 1-based): chr2:47,783,236, G deleted. VCF-style (leftmost placement, unchanged base first): chr2-47783235-TG-T. GRCh37 (hg19) VCF-style: chr2-48010374-TG-T.
Other names: c.3del, p.Met1fs (NM_001281492.2); c.-734del (NM_001281493.2); c.3delG (NM_000179.2); short protein forms M1fs.
Identifiers: ClinVar variation 455314 (VCV000455314.17), dbSNP rs1553408068, ClinGen allele CA658657032.
Genomic context (GRCh38, chr2:47,783,235, plus strand): 5'-GATGCGGTGCTTTTAGGAGCTCCGTCCGACAGAACGGTTGGGCCTTGCCGGCTGTCGGTA[TG>T]TCGCGACAGAGCACCCTGTACAGCTTCTTCCCCAAGTCTCCGGCGCTGAGTGATGCCAAC-3'